The following is an entry in ClinVar:

ClinVar aggregate classification (germline): Uncertain significance. Review status: criteria provided, multiple submitters, no conflicts (2 of 4 stars). 4 submissions from 4 submitters: Uncertain significance (3). 1 of the submissions does not count toward it. Last evaluated 2025-08-10.

Conditions:
Cohen syndrome (COH1). Also called: PEPPER SYNDROME; Cutis verticis gyrata, retinitis pigmentosa, and sensorineural deafness. Identifiers: Orphanet 193, MedGen C0265223, MONDO:0008999, OMIM 216550.
Inborn genetic diseases. Identifiers: MedGen C0950123, MeSH D030342.
VPS13B-related disorder. Also called: VPS13B-related condition.

Allele frequency attached by ClinVar (database versions not stated): gnomAD exomes 0.00001 and 0.00002; gnomAD 0.00003; TOPMed 0.00003.
gnomAD v4.1: 40 of 1,613,982 alleles (0.0025%); highest among the groups gnomAD compares: Non-Finnish European, 0.0031%; no homozygotes.

Submissions (4):

Ambry Genetics
Classification: Uncertain significance for Inborn genetic diseases. Last evaluated: 2025-08-10. Review status: criteria provided, single submitter. Criteria: Ambry Variant Classification Scheme 2023. Collection method: clinical testing. Allele origin: germline.

PreventionGenetics, part of Exact Sciences
Classification: Uncertain significance for VPS13B-related condition. Last evaluated: 2025-02-09. Review status: criteria provided, single submitter. Criteria: ACMG Guidelines, 2015. Collection method: clinical testing. Allele origin: germline.
Comment: The VPS13B c.6539T>C variant is predicted to result in the amino acid substitution p.Ile2180Thr. To our knowledge, this variant has not been reported in the literature. This variant is reported in 0.0018% of alleles in individuals of European (non-Finnish) descent in gnomAD. At this time, the clinical significance of this variant is uncertain due to the absence of conclusive functional and genetic evidence.

Labcorp Genetics (formerly Invitae), Labcorp
Classification: Uncertain significance for Cohen syndrome. Last evaluated: 2022-08-23. Review status: criteria provided, single submitter. Criteria: Invitae Variant Classification Sherloc (09022015). Collection method: clinical testing. Allele origin: germline.
Comment: This sequence change replaces isoleucine, which is neutral and non-polar, with threonine, which is neutral and polar, at codon 2205 of the VPS13B protein (p.Ile2205Thr). This variant is present in population databases (no rsID available, gnomAD 0.002%). This variant has not been reported in the literature in individuals affected with VPS13B-related conditions. ClinVar contains an entry for this variant (Variation ID: 576572). Algorithms developed to predict the effect of missense changes on protein structure and function are either unavailable or do not agree on the potential impact of this missense change (SIFT: "Not Available"; PolyPhen-2: "Benign"; Align-GVGD: "Not Available"). In summary, the available evidence is currently insufficient to determine the role of this variant in disease. Therefore, it has been classified as a Variant of Uncertain Significance.

Natera, Inc.
Classification: Uncertain significance for Cohen syndrome. Last evaluated: 2020-07-20. Review status: no assertion criteria provided. Collection method: clinical testing. Allele origin: germline. Not counted in ClinVar's aggregate classification.

NM_152564.5(VPS13B):c.6539T>C (p.Ile2180Thr)

Gene: VPS13B (vacuolar protein sorting 13 homolog B; plus strand). Cytogenetic location: 8q22.2.
Variant type: single nucleotide variant.
Coding change: c.6539T>C on transcript NM_152564.5 (MANE Select); coding-DNA position 6539, T replaced by C.
Protein change: p.Ile2180Thr; replaces isoleucine 2180 with threonine.
Molecular consequence: missense variant.
Genome position (GRCh38, 1-based): chr8:99,717,255, T>C. VCF-style: chr8-99717255-T-C. GRCh37 (hg19) VCF-style: chr8-100729483-T-C.
Other names: c.6614T>C, p.Ile2205Thr (NM_017890.5); c.6539T>C (NM_152564.4); c.6614T>C (NM_017890.3); short protein forms I2205T, I2180T.
Identifiers: ClinVar variation 576572 (VCV000576572.11), dbSNP rs1037803923, ClinGen allele CA183028980.
Genomic context (GRCh38, chr8:99,717,255, plus strand): 5'-TACTCAGTATAAACGATTTTCTCCTTAAAACAAGTCTCAAAGAAAGAAGCCGCATTCTGA[T>C]AGGACCATGTTGTGCTACTGCCAATCTGGAAGCTAAGTGGTGTAAACACAGCGGGAATCC-3'
Protein context (NP_689777.3, residues 2170-2190): TSLKERSRIL[Ile2180Thr]GPCCATANLE